The following is an entry in ClinVar:

NM_000492.4(CFTR):c.3287del (p.Leu1096fs)

Genes: CFTR (CF transmembrane conductance regulator; plus strand), CFTR-AS2 (CFTR antisense RNA 2; minus strand), LOC111674472 (DNase I hypersensitive sites in introns 16 and 17a of CFTR; plus strand). Cytogenetic location: 7q31.2.
Variant type: Deletion.
Coding change: c.3287del on transcript NM_000492.4 (MANE Select); coding-DNA position 3287, one base deleted (T; older notation c.3287delT).
Protein change: p.Leu1096fs; shifts the reading frame from leucine 1096.
Molecular consequence: frameshift variant.
Genome position (GRCh38, 1-based): chr7:117,611,728, T deleted. VCF-style (leftmost placement, unchanged base first): chr7-117611727-CT-C. GRCh37 (hg19) VCF-style: chr7-117251781-CT-C.
Other names: c.3287delT (NM_000492.3); short protein forms L1096fs.
Identifiers: ClinVar variation 2735083 (VCV002735083.3), dbSNP rs397508529, ClinGen allele CA327126.

ClinVar aggregate classification (germline): Pathogenic (1 of 4 stars; one submission).

Conditions:
Cystic fibrosis (CF). Also called: MUCOVISCIDOSIS. Identifiers: Orphanet 586, MedGen C0010674, MONDO:0009061, OMIM 219700. Disease mechanism: loss of function.

Submission:

Labcorp Genetics (formerly Invitae), Labcorp
Classification: Pathogenic for Cystic fibrosis. Last evaluated: 2024-01-04. Review status: criteria provided, single submitter. Criteria: Invitae Variant Classification Sherloc (09022015). Collection method: clinical testing. Allele origin: germline.
Comment: This sequence change creates a premature translational stop signal (p.Leu1096Argfs*6) in the CFTR gene. It is expected to result in an absent or disrupted protein product. Loss-of-function variants in CFTR are known to be pathogenic (PMID: 1695717, 7691345, 9725922). This variant is not present in population databases (gnomAD no frequency). This variant has not been reported in the literature in individuals affected with CFTR-related conditions. For these reasons, this variant has been classified as Pathogenic.

Literature cited by the submitters: PubMed 1695717; PubMed 7691345; PubMed 9725922.